The following is an entry in ClinVar:

NM_133178.4(PTPRU):c.1136A>C (p.Lys379Thr)

Gene: PTPRU (protein tyrosine phosphatase receptor type U; plus strand). Cytogenetic location: 1p35.3.
Variant type: single nucleotide variant.
Coding change: c.1136A>C on transcript NM_133178.4 (MANE Select); coding-DNA position 1136, A replaced by C.
Protein change: p.Lys379Thr; replaces lysine 379 with threonine.
Molecular consequence: missense variant.
Genome position (GRCh38, 1-based): chr1:29,260,895, A>C. VCF-style: chr1-29260895-A-C. GRCh37 (hg19) VCF-style: chr1-29587407-A-C.
Other names: c.1136A>C, p.Lys379Thr (NM_001195001.2, NM_005704.5, NM_133177.4); short protein forms K379T.
Identifiers: ClinVar variation 3033246 (VCV003033246.2), dbSNP rs72649292, ClinGen allele CA726274.

ClinVar aggregate classification (germline): Likely benign (0 of 4 stars; one submission).

Conditions:
PTPRU-related disorder. Also called: PTPRU-related condition.

Allele frequency attached by ClinVar (database versions not stated): 1000 Genomes Project 0.00120; ExAC 0.00135; 1000 Genomes Project 30x 0.00187; gnomAD 0.00196; ESP Exome Variant Server 0.00209; TOPMed 0.00212; gnomAD exomes 0.00240.
gnomAD v4.1: 3,702 of 1,571,406 alleles (0.24%); highest among the groups gnomAD compares: Admixed American, 0.31%; 8 homozygotes.

Submission:

PreventionGenetics, part of Exact Sciences
Classification: Likely benign for PTPRU-related condition. Last evaluated: 2023-05-10. Review status: no assertion criteria provided. Collection method: clinical testing. Allele origin: germline.
Comment: This variant is classified as likely benign based on ACMG/AMP sequence variant interpretation guidelines (Richards et al. 2015 PMID: 25741868, with internal and published modifications).